The following is an entry in ClinVar:

ClinVar aggregate classification (germline): Conflicting classifications of pathogenicity. Review status: criteria provided, conflicting classifications (1 of 4 stars). 5 submissions from 5 submitters: Uncertain significance (1); Likely benign (4). Last evaluated 2025-03-02.

Conditions:
Hereditary breast ovarian cancer syndrome. Also called: Hereditary breast and ovarian cancer syndrome; Hereditary breast and/or ovarian cancer syndrome; BRCA1- and BRCA2-Associated Hereditary Breast and Ovarian Cancer; Hereditary breast and ovarian cancer syndrome (HBOC); Breast and ovarian cancer; Hereditary breast and ovarian cancer. Identifiers: Orphanet 145, MedGen C0677776, MeSH D061325, MONDO:0003582. Disease mechanism: loss of function.
Breast-ovarian cancer, familial, susceptibility to, 2 (BROVCA2). Also called: BRCA2 Hereditary Breast and Ovarian Cancer. Identifiers: Orphanet 145, MedGen C2675520, MONDO:0012933, OMIM 612555. Disease mechanism: loss of function.
Hereditary cancer-predisposing syndrome. Also called: Hereditary neoplastic syndrome; Neoplastic Syndromes, Hereditary; Hereditary Cancer Syndrome; Tumor predisposition. Identifiers: Orphanet 140162, MedGen C0027672, MeSH D009386, MONDO:0015356.

Allele frequency attached by ClinVar (database versions not stated): gnomAD exomes below 0.00001.
gnomAD v4.1: 1 of 1,613,894 alleles (0.000062%); highest among the groups gnomAD compares: Non-Finnish European, 0.000085%; no homozygotes.

Submissions (5):

Labcorp Genetics (formerly Invitae), Labcorp
Classification: Likely benign for Hereditary breast ovarian cancer syndrome. Last evaluated: 2025-03-02. Review status: criteria provided, single submitter. Criteria: Invitae Variant Classification Sherloc (09022015). Collection method: clinical testing. Allele origin: germline.

All of Us Research Program, National Institutes of Health
Classification: Likely benign for Breast-ovarian cancer, familial, susceptibility to, 2. Last evaluated: 2023-08-15. Review status: criteria provided, single submitter. Criteria: ACMG Guidelines, 2015. Collection method: clinical testing. Allele origin: germline. Inheritance: Autosomal dominant inheritance. Observed: 1 variant allele, 1 heterozygote.
Comment: This study involves interpretation of variants in research participants for the purpose of population health screening. Participant phenotype was not available at the time of variant classification. Additional details can be found in publication PMID: 35346344, PMCID: PMC8962531

Quest Diagnostics Nichols Institute San Juan Capistrano
Classification: Uncertain significance. Last evaluated: 2021-05-17. Review status: criteria provided, single submitter. Criteria: Quest Diagnostics criteria. Collection method: clinical testing. Allele origin: unknown.
Comment: In the published literature, this variant has been reported in an affected individual with breast cancer and a positive family history (PMID: 31336956 (2019)). This variant has not been reported in large, multi-ethnic general populations (Genome Aggregation Database). Analysis of this variant using software algorithms for the prediction of the effect of nucleotide changes on splicing yielded predictions that this variant does not affect BRCA2 mRNA splicing . Based on the available information, we are unable to determine the clinical significance of this variant.

Color Diagnostics, LLC DBA Color Health
Classification: Likely benign for Hereditary cancer-predisposing syndrome. Last evaluated: 2020-09-29. Review status: criteria provided, single submitter. Criteria: ACMG Guidelines, 2015. Collection method: clinical testing. Allele origin: germline.

Ambry Genetics
Classification: Likely benign for Hereditary cancer-predisposing syndrome. Last evaluated: 2020-04-29. Review status: criteria provided, single submitter. Criteria: Ambry Variant Classification Scheme 2023. Collection method: clinical testing. Allele origin: germline.

Literature cited by the submitters: PubMed 31336956 (cited by Quest Diagnostics Nichols Institute San Juan Capistrano).

NM_000059.4(BRCA2):c.9219C>T (p.Asp3073=)

Gene: BRCA2 (BRCA2 DNA repair associated; plus strand). Cytogenetic location: 13q13.1.
Variant type: single nucleotide variant.
Coding change: c.9219C>T on transcript NM_000059.4 (MANE Select); coding-DNA position 9219, C replaced by T.
Protein change: p.Asp3073=; no amino-acid change (aspartic acid 3073 retained).
Molecular consequence: synonymous variant.
Genome position (GRCh38, 1-based): chr13:32,380,108, C>T. VCF-style: chr13-32380108-C-T. GRCh37 (hg19) VCF-style: chr13-32954245-C-T.
Identifiers: ClinVar variation 1171113 (VCV001171113.9), dbSNP rs2137625533, ClinGen allele CA483262110.
Genomic context (GRCh38, chr13:32,380,108, plus strand): 5'-GCCCCTTCACTTCAGCAAATTTTTAGATCCAGACTTTCAGCCATCTTGTTCTGAGGTGGA[C>T]CTAATAGGATTTGTCGTTTCTGTTGTGAAAAAAACAGGTAATGCACAATATAGTTAATTT-3'
Protein context (NP_000050.3, residues 3063-3083): PDFQPSCSEV[Asp3073=]LIGFVVSVVK